The following is an entry in ClinVar:

ClinVar aggregate classification (germline): Conflicting classifications of pathogenicity. Review status: criteria provided, conflicting classifications (1 of 4 stars). 3 submissions from 3 submitters: Uncertain significance (2); Likely benign (1). Last evaluated 2023-12-16.

Conditions:
Inborn genetic diseases. Identifiers: MedGen C0950123, MeSH D030342.
Congenital heart defects, dysmorphic facial features, and intellectual developmental disorder (CHDFIDD). Identifiers: Orphanet 646278, MedGen C4479246, MONDO:0044302, OMIM 617360.

Allele frequency attached by ClinVar (database versions not stated): gnomAD 0.00002; TOPMed 0.00002.
gnomAD v4.1: 38 of 1,613,698 alleles (0.0024%); highest among the groups gnomAD compares: Non-Finnish European, 0.0029%; no homozygotes.

Submissions (3):

Ambry Genetics
Classification: Likely benign for Inborn genetic diseases. Last evaluated: 2023-12-16. Review status: criteria provided, single submitter. Criteria: Ambry Variant Classification Scheme 2023. Collection method: clinical testing. Allele origin: germline.

Labcorp Genetics (formerly Invitae), Labcorp
Classification: Uncertain significance. Last evaluated: 2022-12-29. Review status: criteria provided, single submitter. Criteria: Invitae Variant Classification Sherloc (09022015). Collection method: clinical testing. Allele origin: germline.
Comment: This variant has not been reported in the literature in individuals affected with CDK13-related conditions. In summary, the available evidence is currently insufficient to determine the role of this variant in disease. Therefore, it has been classified as a Variant of Uncertain Significance. Advanced modeling of protein sequence and biophysical properties (such as structural, functional, and spatial information, amino acid conservation, physicochemical variation, residue mobility, and thermodynamic stability) performed at Invitae indicates that this missense variant is expected to disrupt CDK13 protein function. This variant is present in population databases (rs755212969, gnomAD 0.008%). This sequence change replaces arginine, which is basic and polar, with histidine, which is basic and polar, at codon 434 of the CDK13 protein (p.Arg434His).

Revvity Omics, Revvity
Classification: Uncertain significance for Congenital heart defects, dysmorphic facial features, and intellectual developmental disorder. Last evaluated: 2021-08-24. Review status: criteria provided, single submitter. Criteria: ACMG Guidelines, 2015. Collection method: clinical testing. Allele origin: germline.

NM_003718.5(CDK13):c.1301G>A (p.Arg434His)

Gene: CDK13 (cyclin dependent kinase 13; plus strand). Cytogenetic location: 7p14.1.
Variant type: single nucleotide variant.
Coding change: c.1301G>A on transcript NM_003718.5 (MANE Select); coding-DNA position 1301, G replaced by A.
Protein change: p.Arg434His; replaces arginine 434 with histidine.
Molecular consequence: missense variant.
Genome position (GRCh38, 1-based): chr7:39,987,688, G>A. VCF-style: chr7-39987688-G-A. GRCh37 (hg19) VCF-style: chr7-40027287-G-A.
Other names: c.1301G>A, p.Arg434His (NM_031267.4); c.1301G>A (NM_003718.4); short protein forms R434H.
Identifiers: ClinVar variation 2439874 (VCV002439874.7), dbSNP rs755212969, ClinGen allele CA4228469.